The following is an entry in ClinVar:

NM_020461.4(TUBGCP6):c.585C>G (p.Leu195=)

Gene: TUBGCP6 (tubulin gamma complex component 6; minus strand). Cytogenetic location: 22q13.33.
Variant type: single nucleotide variant.
Coding change: c.585C>G on transcript NM_020461.4 (MANE Select); coding-DNA position 585, C replaced by G.
Protein change: p.Leu195=; no amino-acid change (leucine 195 retained).
Molecular consequence: synonymous variant.
Genome position (GRCh38, 1-based): chr22:50,243,875, G>C on the plus strand (C>G on the coding strand, the complement: TUBGCP6 is on the minus strand). VCF-style: chr22-50243875-G-C. GRCh37 (hg19) VCF-style: chr22-50682304-G-C.
Identifiers: ClinVar variation 714919 (VCV000714919.17), dbSNP rs766602935, ClinGen allele CA10309022.

ClinVar aggregate classification (germline): Likely benign. Review status: criteria provided, multiple submitters, no conflicts (2 of 4 stars). 3 submissions from 3 submitters: Likely benign (3). Last evaluated 2025-07-01.

Allele frequency attached by ClinVar (database versions not stated): ExAC 0.00003; gnomAD 0.00003; gnomAD exomes 0.00003 and 0.00004; TOPMed 0.00003.
gnomAD v4.1: 67 of 1,613,732 alleles (0.0042%); highest among the groups gnomAD compares: Middle Eastern, 0.016%; no homozygotes.

Submissions (3):

CeGaT Center for Human Genetics Tuebingen
Classification: Likely benign. Last evaluated: 2025-07-01. Review status: criteria provided, single submitter. Criteria: CeGaT Center For Human Genetics Tuebingen Variant Classification Criteria Version 2. Collection method: clinical testing. Allele origin: germline. Affected: yes. Observed: 1 variant allele.
Comment: TUBGCP6: BP4, BP7

Blueprint Genetics
Classification: Likely benign. Last evaluated: 2024-06-18. Review status: criteria provided, single submitter. Criteria: ACMG Guidelines, 2015. Collection method: clinical testing. Allele origin: germline.

Labcorp Genetics (formerly Invitae), Labcorp
Classification: Likely benign. Last evaluated: 2023-12-04. Review status: criteria provided, single submitter. Criteria: Invitae Variant Classification Sherloc (09022015). Collection method: clinical testing. Allele origin: germline.